The following is an entry in ClinVar:

ClinVar aggregate classification (germline): Pathogenic (1 of 4 stars; one submission).

Conditions:
Congenital disorder of glycosylation, type Iaa. Also called: Congenital disorder of glycosylation, type 1aa. Identifiers: MedGen C4310727, MONDO:0014904, OMIM 617082.

Submission:

Labcorp Genetics (formerly Invitae), Labcorp
Classification: Pathogenic for Congenital disorder of glycosylation, type Iaa. Last evaluated: 2022-03-15. Review status: criteria provided, single submitter. Criteria: Invitae Variant Classification Sherloc (09022015). Collection method: clinical testing. Allele origin: germline.
Comment: For these reasons, this variant has been classified as Pathogenic. This variant has not been reported in the literature in individuals affected with NUS1-related conditions. This variant is not present in population databases (gnomAD no frequency). This sequence change creates a premature translational stop signal (p.Gly161Alafs*2) in the NUS1 gene. It is expected to result in an absent or disrupted protein product. Loss-of-function variants in NUS1 are known to be pathogenic (PMID: 29100083).

Literature cited by the submitters: PubMed 29100083.

NM_138459.5(NUS1):c.482del (p.Gly161fs)

Gene: NUS1 (NUS1 dehydrodolichyl diphosphate synthase subunit; plus strand). Cytogenetic location: 6q22.1.
Variant type: Deletion.
Coding change: c.482del on transcript NM_138459.5 (MANE Select); coding-DNA position 482, one base deleted (G; older notation c.482delG).
Protein change: p.Gly161fs; shifts the reading frame from glycine 161.
Molecular consequence: frameshift variant.
Genome position (GRCh38, 1-based): chr6:117,693,108, G deleted; the last of 3 consecutive G bases (chr6:117,693,106-117,693,108); deleting any one gives the same sequence. VCF-style (leftmost placement, unchanged base first): chr6-117693105-TG-T. GRCh37 (hg19) VCF-style: chr6-118014268-TG-T.
Other names: short protein forms G161fs.
Identifiers: ClinVar variation 2112620 (VCV002112620.4), dbSNP rs2482014199, ClinGen allele CA2580074812.